The following is an entry in ClinVar:

ClinVar aggregate classification (germline): Pathogenic. Review status: criteria provided, multiple submitters, no conflicts (2 of 4 stars). 2 submissions from 2 submitters: Pathogenic (2). Last evaluated 2026-08-12.

Conditions:
Ehlers-Danlos syndrome due to tenascin-X deficiency (EDSCLL1). Also called: EHLERS-DANLOS SYNDROME, CLASSIC-LIKE; Ehlers-Danlos syndrome, classic-like, 1; TNX DEFICIENCY; TNXB-Related Classical-Like Ehlers-Danlos Syndrome; EDS DUE TO TNX DEFICIENCY. Identifiers: Orphanet 230839, MedGen C1848029, MONDO:0011670, OMIM 606408.

Submissions (2):

Myriad Genetics, Inc.
Classification: Pathogenic for Ehlers-Danlos syndrome due to tenascin-X deficiency. Last evaluated: 2026-08-12. Review status: criteria provided, single submitter. Criteria: Myriad Autosomal Dominant, Autosomal Recessive and X-Linked Classification Criteria (2023). Collection method: clinical testing. Allele origin: unknown.
Comment: NM_019105.6(TNXB):c.8347_8348delAG(R2783Gfs*42) is a frameshift variant classified as pathogenic in the context of classical-like Ehlers-Danlos syndrome, TNXB-related. R2783Gfs*42 has not been observed in cases with relevant disease. Relevant functional assessments of this variant are not available in the literature. R2783Gfs*42 has been observed in referenced population frequency databases. In summary, NM_019105.6(TNXB):c.8347_8348delAG(R2783Gfs*42) is a frameshift variant in a gene where loss of function is a known mechanism of disease and is predicted to disrupt protein function. Please note: this variant was assessed in the context of healthy population screening.

Women's Health and Genetics/Laboratory Corporation of America, LabCorp
Classification: Pathogenic for Ehlers-Danlos syndrome due to tenascin-X deficiency. Last evaluated: 2026-05-04. Review status: criteria provided, single submitter. Criteria: LabCorp Variant Classification Summary - May 2015. Collection method: clinical testing. Allele origin: germline.
Comment: Variant summary: TNXB c.8347_8348delAG (p.Arg2783GlyfsX42) results in a premature termination codon, predicted to cause a truncation of the encoded protein or absence of the protein due to nonsense mediated decay, which are commonly known mechanisms for disease. The variant allele was found at a frequency of 4e-06 in 246958 control chromosomes. To our knowledge, no occurrence of c.8347_8348delAG in individuals affected with TNXB-related conditions and no experimental evidence demonstrating its impact on protein function have been reported. No submitters have cited clinical-significance assessments for this variant to ClinVar. Based on the evidence outlined above, the variant was classified as pathogenic.

NM_001365276.2(TNXB):c.8347_8348del (p.Arg2783fs)

Gene: TNXB (tenascin XB; minus strand). Cytogenetic location: 6p21.33.
Variant type: Deletion.
Coding change: c.8347_8348del on transcript NM_001365276.2 (MANE Select); coding-DNA positions 8347 to 8348, 2 bases deleted (AG; older notation c.8347_8348delAG).
Protein change: p.Arg2783fs; shifts the reading frame from arginine 2783.
Molecular consequence: frameshift variant.
Genome position (GRCh38, 1-based): chr6:32,055,970-32,055,971, CT deleted on the plus strand (AG on the coding strand, the reverse complement: TNXB is on the minus strand). VCF-style (leftmost placement, unchanged base first): chr6-32055969-CCT-C. GRCh37 (hg19) VCF-style: chr6-32023746-CCT-C.
Other names: c.9088_9089del, p.Arg3030fs (NM_001428335.1); c.8347_8348del, p.Arg2783fs (NM_019105.8); c.8347_8348delAG (NM_019105.8); short protein forms R2783fs, R3030fs.
Identifiers: ClinVar variation 4853569 (VCV004853569.2).
Genomic context (GRCh38, chr6:32,055,969, plus strand): 5'-GTGCATCTTGTATTTGCGCCCGGGCTCCAGGCCCCCCACGGTGACCTCGCTCTCCTCGCC[CCT>C]GACACGCATCACCTGGGGCCGCCCGTCCCTGTCCTTGTACTGCACGGTGAAGGAGTCGAA-3'